The following is an entry in ClinVar:

ClinVar aggregate classification (germline): Conflicting classifications of pathogenicity. Review status: criteria provided, conflicting classifications (1 of 4 stars). 4 submissions from 4 submitters: Uncertain significance (1); Benign (2); Likely benign (1). Last evaluated 2025-12-13.

Conditions:
Tuberous sclerosis syndrome (TSC). Also called: Tuberous Sclerosis Complex; Tuberous sclerosis. Identifiers: Orphanet 805, MedGen C0041341, MONDO:0001734.
Hereditary cancer-predisposing syndrome. Also called: Hereditary neoplastic syndrome; Neoplastic Syndromes, Hereditary; Tumor predisposition; Hereditary Cancer Syndrome. Identifiers: Orphanet 140162, MedGen C0027672, MeSH D009386, MONDO:0015356.
Tuberous sclerosis 1 (TSC1). Identifiers: Orphanet 805, MedGen C1854465, MONDO:0008612, OMIM 191100.

Allele frequency attached by ClinVar (database versions not stated): ExAC 0.00001.
gnomAD v4.1: 16 of 1,614,216 alleles (0.00099%); highest among the groups gnomAD compares: Non-Finnish European, 0.0014%; no homozygotes.

Submissions (4):

Labcorp Genetics (formerly Invitae), Labcorp
Classification: Benign for Tuberous sclerosis 1. Last evaluated: 2025-12-13. Review status: criteria provided, single submitter. Criteria: Invitae Variant Classification Sherloc (09022015). Collection method: clinical testing. Allele origin: germline.

Color Diagnostics, LLC DBA Color Health
Classification: Uncertain significance for Tuberous sclerosis syndrome. Last evaluated: 2023-08-31. Review status: criteria provided, single submitter. Criteria: ACMG Guidelines, 2015. Collection method: clinical testing. Allele origin: germline.
Comment: This missense variant replaces proline with glutamine at codon 591 of the TSC1 protein. Computational prediction suggests that this variant may not impact protein structure and function. To our knowledge, functional studies have not been reported for this variant. This variant has not been reported in individuals affected with TSC1-related disorders in the literature. This variant has been identified in 2/251062 chromosomes in the general population by the Genome Aggregation Database (gnomAD). The available evidence is insufficient to determine the role of this variant in disease conclusively. Therefore, this variant is classified as a Variant of Uncertain Significance.

Genome-Nilou Lab
Classification: Benign for Tuberous sclerosis 1. Last evaluated: 2021-11-07. Review status: criteria provided, single submitter. Criteria: ACMG Guidelines, 2015. Collection method: clinical testing. Allele origin: germline. Affected: no.

Ambry Genetics
Classification: Likely benign for Hereditary cancer-predisposing syndrome. Last evaluated: 2016-07-05. Review status: criteria provided, single submitter. Criteria: Ambry Variant Classification Scheme 2023. Collection method: clinical testing. Allele origin: germline.

NM_000368.5(TSC1):c.1772C>A (p.Pro591Gln)

Gene: TSC1 (TSC complex subunit 1; minus strand). Cytogenetic location: 9q34.13.
Variant type: single nucleotide variant.
Coding change: c.1772C>A on transcript NM_000368.5 (MANE Select); coding-DNA position 1772, C replaced by A.
Protein change: p.Pro591Gln; replaces proline 591 with glutamine.
Molecular consequence: missense variant.
Genome position (GRCh38, 1-based): chr9:132,905,806, G>T on the plus strand (C>A on the coding strand, the complement: TSC1 is on the minus strand). VCF-style: chr9-132905806-G-T. GRCh37 (hg19) VCF-style: chr9-135781193-G-T.
Other names: c.1769C>A, p.Pro590Gln (NM_001162426.2); c.1619C>A, p.Pro540Gln (NM_001162427.2); c.1409C>A, p.Pro470Gln (NM_001362177.2); short protein forms P591Q, P470Q, P540Q, P590Q.
Identifiers: ClinVar variation 466040 (VCV000466040.19), dbSNP rs768985094, ClinGen allele CA029707.